The following is an entry in ClinVar:

ClinVar aggregate classification (germline): Uncertain significance (1 of 4 stars; one submission).

Conditions:
Long QT syndrome (LQTS). Identifiers: MedGen C0023976, MeSH D008133, MONDO:0002442. Disease mechanism: loss of function. Inheritance: Various modes of inheritance.

Submission:

Labcorp Genetics (formerly Invitae), Labcorp
Classification: Uncertain significance for Long QT syndrome. Last evaluated: 2025-08-17. Review status: criteria provided, single submitter. Criteria: Invitae Variant Classification Sherloc (09022015). Collection method: clinical testing. Allele origin: germline.
Comment: This sequence change replaces glutamine, which is neutral and polar, with arginine, which is basic and polar, at codon 3255 of the ANK2 protein (p.Gln3255Arg). This variant is not present in population databases (gnomAD no frequency). This variant has not been reported in the literature in individuals affected with ANK2-related conditions. ClinVar contains an entry for this variant (Variation ID: 1387796). An algorithm developed to predict the effect of missense changes on protein structure and function (PolyPhen-2) suggests that this variant is likely to be tolerated. In summary, the available evidence is currently insufficient to determine the role of this variant in disease. Therefore, it has been classified as a Variant of Uncertain Significance.

NM_001148.6(ANK2):c.9764A>G (p.Gln3255Arg)

Gene: ANK2 (ankyrin 2; plus strand). Cytogenetic location: 4q26.
Variant type: single nucleotide variant.
Coding change: c.9764A>G on transcript NM_001148.6 (MANE Select); coding-DNA position 9764, A replaced by G.
Protein change: p.Gln3255Arg; replaces glutamine 3255 with arginine.
Molecular consequence: missense variant. On other transcripts: intron variant (68).
Genome position (GRCh38, 1-based): chr4:113,358,382, A>G. VCF-style: chr4-113358382-A-G. GRCh37 (hg19) VCF-style: chr4-114279538-A-G.
Other names: c.9530A>G, p.Gln3177Arg (NM_001386142.1); c.6164A>G, p.Gln2055Arg (NM_001386166.1); c.9905A>G, p.Gln3302Arg (NM_001386174.1); c.9881A>G, p.Gln3294Arg (NM_001386175.1); c.4412-2441A>G (NM_001386186.2, NM_001386148.2); c.4214-2441A>G (NM_001354269.3); c.4292-2441A>G (NM_001386187.2); c.4253-2441A>G (NM_001386147.1); and 35 more; short protein forms Q3294R, Q3302R, Q2055R, Q3177R, Q3255R.
Identifiers: ClinVar variation 1387796 (VCV001387796.6), dbSNP rs2154029721, ClinGen allele CA357938917.